The following is an entry in ClinVar:

NM_001003800.2(BICD2):c.2320G>A (p.Glu774Lys)

Gene: BICD2 (BICD cargo adaptor 2; minus strand). Cytogenetic location: 9q22.31.
Variant type: single nucleotide variant.
Coding change: c.2320G>A on transcript NM_001003800.2 (MANE Select); coding-DNA position 2320, G replaced by A.
Protein change: p.Glu774Lys; replaces glutamic acid 774 with lysine.
Molecular consequence: missense variant.
Genome position (GRCh38, 1-based): chr9:92,715,402, C>T on the plus strand (G>A on the coding strand, the complement: BICD2 is on the minus strand). VCF-style: chr9-92715402-C-T. GRCh37 (hg19) VCF-style: chr9-95477684-C-T.
Other names: c.2320G>A, p.Glu774Lys (NM_015250.4); short protein forms E774K.
Identifiers: ClinVar variation 429371 (VCV000429371.8), dbSNP rs1131691347, ClinGen allele CA374030502.
Genomic context (GRCh38, chr9:92,715,402, plus strand): 5'-GGGTCAGCGCCAGCTTCTGCTGGATGGCCATGCGCAGCAGCGAGTTCAGCGTCTTCTTCT[C>T]GTCCTCAGCAGCCGCCAGCTGCCGCTGCATCTCATCCAGCTGTGTAATGTACTCGTCACA-3'
Protein context (NP_001003800.1, residues 764-784): MQRQLAAAED[Glu774Lys]KKTLNSLLRM

ClinVar aggregate classification (germline): Pathogenic/Likely pathogenic. Review status: criteria provided, multiple submitters, no conflicts (2 of 4 stars). 5 submissions from 5 submitters: Pathogenic (3); Likely pathogenic (2). Last evaluated 2026-02-03.

Conditions:
Spinal muscular atrophy, lower extremity-predominant, 2b, prenatal onset, autosomal dominant. Also called: Spinal muscular atrophy, lower extremity-predominant, 2B, autosomal dominant. Identifiers: MedGen C4749003, MONDO:0032660, OMIM 618291.
Fetal anomalies with a likely genetic cause.

Submissions (5):

Genetics Laboratory, Great Ormond Street Hospital NHS Foundation Trust, North Thames Genomic Laboratory Hub
Classification: Pathogenic for Fetal anomalies with a likely genetic cause. Last evaluated: 2026-02-03. Review status: criteria provided, single submitter. Criteria: ACGS Best Practice Guidelines for Variant Classification in Rare Disease 2024 v1.2. Collection method: clinical testing. Allele origin: germline. Affected: yes.
Comment: PS4_moderate, PM2_moderate, PM5_moderate, PS2_strong

3billion
Classification: Likely pathogenic for Spinal muscular atrophy, lower extremity-predominant, 2b, prenatal onset, autosomal dominant. Last evaluated: 2025-05-12. Review status: criteria provided, single submitter. Criteria: ACMG Guidelines, 2015. Collection method: clinical testing. Allele origin: germline. Affected: yes.
Comment: The variant is not observed in the gnomAD v4.1.0 dataset. Predicted Consequence/Location: Missense variant In silico tool predictions suggest damaging effect of the variant on gene or gene product [REVEL: 0.64 (>=0.6, sensitivity 0.68 and specificity 0.92)]. The same nucleotide change resulting in the same amino acid change has been previously reported as pathogenic/likely pathogenic with strong evidence (ClinVar ID: VCV000429371). A different missense change at the same codon (p.Glu774Gly) has been reported to be associated with BICD2-related disorder (ClinVar ID: VCV000055860 /PMID: 23664119). Therefore, this variant is classified as Likely pathogenic according to the recommendation of ACMG/AMP guideline.

GeneDx
Classification: Pathogenic. Last evaluated: 2024-04-08. Review status: criteria provided, single submitter. Criteria: GeneDx Variant Classification Process June 2021. Collection method: clinical testing. Allele origin: germline. Affected: yes.
Comment: Not observed at significant frequency in large population cohorts (gnomAD); In silico analysis supports that this missense variant has a deleterious effect on protein structure/function; This variant is associated with the following publications: (PMID: 33057194, 36517450, 35982159, 30054298, 32057122, 35527075, 25497877)

Institute of Immunology and Genetics Kaiserslautern
Classification: Likely pathogenic for Spinal muscular atrophy, lower extremity-predominant, 2b, prenatal onset, autosomal dominant. Last evaluated: 2024-04-05. Review status: criteria provided, single submitter. Criteria: ACMG Guidelines, 2015. Collection method: clinical testing. Allele origin: germline. Affected: yes.
Comment: ACMG Criteria: PP5,PM2_P,PM1,PM5, Variant was found in heterozygous state

HudsonAlpha Institute for Biotechnology
Classification: Pathogenic for Spinal muscular atrophy, lower extremity-predominant, 2b, prenatal onset, autosomal dominant. Last evaluated: 2021-04-26. Review status: criteria provided, single submitter. Criteria: ACMG Guidelines, 2015. Collection method: research. Allele origin: de novo. Affected: yes. Observed: 1 variant allele. Study: CSER-SouthSeq.
Comment: ACMG codes:PS2; PM2; PM5; PP5

Literature cited by the submitters: PubMed 23664119 (cited by 3billion).